The following is an entry in ClinVar:

ClinVar aggregate classification (germline): Uncertain significance (1 of 4 stars; one submission).

Allele frequency attached by ClinVar (database versions not stated): gnomAD 0.00001; ExAC 0.00002; gnomAD exomes 0.00002.
gnomAD v4.1: 29 of 1,613,756 alleles (0.0018%); highest among the groups gnomAD compares: South Asian, 0.031%; no homozygotes.

Submission:

Labcorp Genetics (formerly Invitae), Labcorp
Classification: Uncertain significance. Last evaluated: 2023-03-25. Review status: criteria provided, single submitter. Criteria: Invitae Variant Classification Sherloc (09022015). Collection method: clinical testing. Allele origin: germline.
Comment: An algorithm developed to predict the effect of missense changes on protein structure and function (PolyPhen-2) suggests that this variant is likely to be disruptive. This sequence change replaces serine, which is neutral and polar, with cysteine, which is neutral and slightly polar, at codon 72 of the TRMT10C protein (p.Ser72Cys). This variant is present in population databases (rs760002827, gnomAD 0.04%). This variant has not been reported in the literature in individuals affected with TRMT10C-related conditions. In summary, the available evidence is currently insufficient to determine the role of this variant in disease. Therefore, it has been classified as a Variant of Uncertain Significance.

NM_017819.4(TRMT10C):c.215C>G (p.Ser72Cys)

Gene: TRMT10C (tRNA methyltransferase 10C, mitochondrial RNase P subunit; plus strand). Cytogenetic location: 3q12.3.
Variant type: single nucleotide variant.
Coding change: c.215C>G on transcript NM_017819.4 (MANE Select); coding-DNA position 215, C replaced by G.
Protein change: p.Ser72Cys; replaces serine 72 with cysteine.
Molecular consequence: missense variant.
Genome position (GRCh38, 1-based): chr3:101,564,996, C>G. VCF-style: chr3-101564996-C-G. GRCh37 (hg19) VCF-style: chr3-101283840-C-G.
Other names: short protein forms S72C.
Identifiers: ClinVar variation 2777205 (VCV002777205.3), dbSNP rs760002827, ClinGen allele CA2520485.